The following is an entry in ClinVar:

ClinVar aggregate classification (germline): Uncertain significance (1 of 4 stars; one submission).

gnomAD v4.1: 2 of 1,609,790 alleles (0.00012%); highest among the groups gnomAD compares: Non-Finnish European, 0.00017%; no homozygotes.

Submission:

Women's Health and Genetics/Laboratory Corporation of America, LabCorp
Classification: Uncertain significance. Last evaluated: 2025-11-17. Review status: criteria provided, single submitter. Criteria: LabCorp Variant Classification Summary - May 2015. Collection method: clinical testing. Allele origin: germline.
Comment: Variant summary: CFTR c.1897C>G (p.Leu633Val) results in a conservative amino acid change in the encoded protein sequence. Algorithms developed to predict the effect of missense changes on protein structure and function are either unavailable or do not agree on the potential impact of this missense change. The variant was absent in 247920 control chromosomes. The available data on variant occurrences in the general population are insufficient to allow any conclusion about variant significance. To our knowledge, no occurrence of c.1897C>G in individuals affected with CFTR-related conditions and no experimental evidence demonstrating its impact on protein function have been reported. No submitters have cited clinical-significance assessments for this variant to ClinVar. Based on the evidence outlined above, the variant was classified as uncertain significance.

NM_000492.4(CFTR):c.1897C>G (p.Leu633Val)

Gene: CFTR (CF transmembrane conductance regulator; plus strand). Cytogenetic location: 7q31.2.
Variant type: single nucleotide variant.
Coding change: c.1897C>G on transcript NM_000492.4 (MANE Select); coding-DNA position 1897, C replaced by G.
Protein change: p.Leu633Val; replaces leucine 633 with valine.
Molecular consequence: missense variant.
Genome position (GRCh38, 1-based): chr7:117,592,064, C>G. VCF-style: chr7-117592064-C-G. GRCh37 (hg19) VCF-style: chr7-117232118-C-G.
Other names: short protein forms L633V.
Identifiers: ClinVar variation 4536643 (VCV004536643.1).